The following is an entry in ClinVar:

NM_015041.3(CLUAP1):c.538G>A (p.Glu180Lys)

Gene: CLUAP1 (clusterin associated protein 1; plus strand). Cytogenetic location: 16p13.3.
Variant type: single nucleotide variant.
Coding change: c.538G>A on transcript NM_015041.3 (MANE Select); coding-DNA position 538, G replaced by A.
Protein change: p.Glu180Lys; replaces glutamic acid 180 with lysine.
Molecular consequence: missense variant.
Genome position (GRCh38, 1-based): chr16:3,515,550, G>A. VCF-style: chr16-3515550-G-A. GRCh37 (hg19) VCF-style: chr16-3565550-G-A.
Other names: c.538G>A, p.Glu180Lys (NM_001330454.2); c.40G>A, p.Glu14Lys (NM_024793.3); short protein forms E14K, E180K.
Identifiers: ClinVar variation 1053307 (VCV001053307.9), dbSNP rs1011011156, ClinGen allele CA394512973.

ClinVar aggregate classification (germline): Uncertain significance (1 of 4 stars; one submission).

Allele frequency attached by ClinVar (database versions not stated): gnomAD 0.00002; gnomAD exomes 0.00002.
gnomAD v4.1: 22 of 1,600,678 alleles (0.0014%); highest among the groups gnomAD compares: Middle Eastern, 0.017%; no homozygotes.

Submission:

Labcorp Genetics (formerly Invitae), Labcorp
Classification: Uncertain significance. Last evaluated: 2021-06-13. Review status: criteria provided, single submitter. Criteria: Invitae Variant Classification Sherloc (09022015). Collection method: clinical testing. Allele origin: germline.
Comment: This sequence change replaces glutamic acid with lysine at codon 180 of the CLUAP1 protein (p.Glu180Lys). The glutamic acid residue is highly conserved and there is a small physicochemical difference between glutamic acid and lysine. This variant is not present in population databases (ExAC no frequency). This variant has not been reported in the literature in individuals with CLUAP1-related conditions. Algorithms developed to predict the effect of missense changes on protein structure and function are either unavailable or do not agree on the potential impact of this missense change (SIFT: "Tolerated"; PolyPhen-2: "Possibly Damaging"; Align-GVGD: "Class C0"). In summary, the available evidence is currently insufficient to determine the role of this variant in disease. Therefore, it has been classified as a Variant of Uncertain Significance.